The following is an entry in ClinVar:

NM_024537.4(CARS2):c.1681A>G (p.Lys561Glu)

Gene: CARS2 (cysteinyl-tRNA synthetase 2, mitochondrial; minus strand). Cytogenetic location: 13q34.
Variant type: single nucleotide variant.
Coding change: c.1681A>G on transcript NM_024537.4 (MANE Select); coding-DNA position 1681, A replaced by G.
Protein change: p.Lys561Glu; replaces lysine 561 with glutamic acid.
Molecular consequence: missense variant. On other transcripts: non-coding transcript variant (2).
Genome position (GRCh38, 1-based): chr13:110,641,551, T>C on the plus strand (A>G on the coding strand, the complement: CARS2 is on the minus strand). VCF-style: chr13-110641551-T-C. GRCh37 (hg19) VCF-style: chr13-111293898-T-C.
Other names: p.Lys561Glu; c.895A>G, p.Lys299Glu (NM_001352252.2); short protein forms K561E, K299E.
Identifiers: ClinVar variation 381419 (VCV000381419.26), dbSNP rs188068027, ClinGen allele CA7051558.

ClinVar aggregate classification (germline): Benign/Likely benign. Review status: criteria provided, multiple submitters, no conflicts (2 of 4 stars). 8 submissions from 8 submitters: Benign (5); Likely benign (2). 1 of the submissions does not count toward it. Last evaluated 2026-09-01.

Conditions:
CARS2-related disorder. Also called: CARS2-related condition.
Combined oxidative phosphorylation defect type 27. Also called: Combined oxidative phosphorylation deficiency 27. Identifiers: Orphanet 477774, MedGen C5567608, MONDO:0014728, OMIM 616672.

Allele frequency attached by ClinVar (database versions not stated): gnomAD exomes 0.00057 and 0.00128; ExAC 0.00160; gnomAD 0.00535 and 0.00590; 1000 Genomes Project 0.00539; TOPMed 0.00617.
gnomAD v4.1: 1,714 of 1,613,884 alleles (0.11%); highest among the groups gnomAD compares: African/African-American, 2%; 15 homozygotes.

Submissions (8):

CeGaT Center for Human Genetics Tuebingen
Classification: Benign. Last evaluated: 2026-09-01. Review status: criteria provided, single submitter. Criteria: CeGaT Center For Human Genetics Tuebingen Variant Classification Criteria Version 2. Collection method: clinical testing. Allele origin: germline. Affected: yes. Observed: 2 variant alleles.
Comment: CARS2: BP4, BS1, BS2

Labcorp Genetics (formerly Invitae), Labcorp
Classification: Benign for Combined oxidative phosphorylation defect type 27. Last evaluated: 2026-01-28. Review status: criteria provided, single submitter. Criteria: Invitae Variant Classification Sherloc (09022015). Collection method: clinical testing. Allele origin: germline.

ARUP Laboratories, Molecular Genetics and Genomics, ARUP Laboratories
Classification: Likely benign for Combined oxidative phosphorylation defect type 27. Last evaluated: 2025-03-17. Review status: criteria provided, single submitter. Criteria: ARUP Molecular Germline Variant Investigation Process 2024. Collection method: clinical testing. Allele origin: germline.

Blueprint Genetics
Classification: Likely benign. Last evaluated: 2024-11-13. Review status: criteria provided, single submitter. Criteria: ACMG Guidelines, 2015. Collection method: clinical testing. Allele origin: germline.

Mayo Clinic Laboratories, Mayo Clinic
Classification: Benign. Last evaluated: 2023-11-09. Review status: criteria provided, single submitter. Criteria: ACMG Guidelines, 2015. Collection method: clinical testing. Allele origin: germline. Observed: 6 variant alleles.
Comment: BA1, BP4

GeneDx
Classification: Benign. Last evaluated: 2018-03-13. Review status: criteria provided, single submitter. Criteria: GeneDx Variant Classification Process June 2021. Collection method: clinical testing. Allele origin: germline. Affected: yes.

Breakthrough Genomics
Classification: Benign. Review status: criteria provided, single submitter. Criteria: ACMG Guidelines, 2015. Collection method: not provided. Allele origin: germline. Inheritance: Autosomal recessive inheritance. Affected: yes.

PreventionGenetics, part of Exact Sciences
Classification: Benign for CARS2-related condition. Last evaluated: 2019-04-10. Review status: no assertion criteria provided. Collection method: clinical testing. Allele origin: germline. Not counted in ClinVar's aggregate classification.
Comment: This variant is classified as benign based on ACMG/AMP sequence variant interpretation guidelines (Richards et al. 2015 PMID: 25741868, with internal and published modifications).